The following is an entry in ClinVar:

NM_181507.2(HPS5):c.2272del (p.Ser758fs)

Gene: HPS5 (HPS5 biogenesis of lysosomal organelles complex 2 subunit 2; minus strand). Cytogenetic location: 11p15.1.
Variant type: Deletion.
Coding change: c.2272del on transcript NM_181507.2 (MANE Select); coding-DNA position 2272, one base deleted (A; older notation c.2272delA).
Protein change: p.Ser758fs; shifts the reading frame from serine 758.
Molecular consequence: frameshift variant.
Genome position (GRCh38, 1-based): chr11:18,291,610, T deleted on the plus strand (A on the coding strand, the reverse complement: HPS5 is on the minus strand). VCF-style (leftmost placement, unchanged base first): chr11-18291609-CT-C. GRCh37 (hg19) VCF-style: chr11-18313156-CT-C.
Other names: c.1930delA, p.Ser644Valfs (NM_181508.2); c.1930del, p.Ser644fs (NM_007216.4); short protein forms S644fs, S758fs.
Identifiers: ClinVar variation 3717967 (VCV003717967.2).

ClinVar aggregate classification (germline): Pathogenic (1 of 4 stars; one submission).

Submission:

Labcorp Genetics (formerly Invitae), Labcorp
Classification: Pathogenic. Last evaluated: 2024-03-15. Review status: criteria provided, single submitter. Criteria: Invitae Variant Classification Sherloc (09022015). Collection method: clinical testing. Allele origin: germline.
Comment: This sequence change creates a premature translational stop signal (p.Ser758Valfs*21) in the HPS5 gene. It is expected to result in an absent or disrupted protein product. Loss-of-function variants in HPS5 are known to be pathogenic (PMID: 12548288, 15296495, 21833017, 26785811). This variant is not present in population databases (gnomAD no frequency). This variant has not been reported in the literature in individuals affected with HPS5-related conditions. For these reasons, this variant has been classified as Pathogenic.

Literature cited by the submitters: PubMed 12548288; PubMed 15296495; PubMed 21833017; PubMed 26785811.